The following is an entry in ClinVar:

ClinVar aggregate classification (germline): Uncertain significance (1 of 4 stars; one submission).

Conditions:
Neuronopathy, distal hereditary motor, type 7B. Also called: LOWER MOTOR NEURON DISEASE, DYNACTIN TYPE; NEURONOPATHY, DISTAL HEREDITARY MOTOR, AUTOSOMAL DOMINANT 14; NEURONOPATHY, DISTAL HEREDITARY MOTOR, HARDING TYPE VIIB; NEUROPATHY, DISTAL HEREDITARY MOTOR, HARDING TYPE VIIB; NEUROPATHY, DISTAL HEREDITARY MOTOR, WITH VOCAL CORD PARALYSIS, HARDING TYPE VIIB; Distal Hereditary Motor Neuronopathy Type 7B (dHMN7B). Identifiers: Orphanet 139589, MedGen C1843315, MONDO:0011879, OMIM 607641.

gnomAD v4.1: 2 of 1,614,154 alleles (0.00012%); highest among the groups gnomAD compares: Non-Finnish European, 0.00017%; no homozygotes.

Submission:

Neuberg Centre For Genomic Medicine, NCGM
Classification: Uncertain significance for Neuronopathy, distal hereditary motor, type 7B. Review status: criteria provided, single submitter. Criteria: ACMG Guidelines, 2015. Collection method: clinical testing. Allele origin: germline. Inheritance: Autosomal dominant inheritance. Affected: yes.
Comment: The missense variant p.R990L in DCTN1 (NM_004082.5) has not been reported previously as a pathogenic variant nor as a benign variant, to our knowledge. The p.R990L variant is novel (not in any individuals) in gnomAD Exomes and is novel (not in any individuals) in 1000 Genomes. The p.R990L missense variant is predicted to be damaging by both SIFT and PolyPhen2. The arginine residue at codon 990 of DCTN1 is conserved in all mammalian species. The nucleotide c.2969 in DCTN1 is predicted conserved by GERP++ and PhyloP across 100 vertebrates. For these reasons, this variant has been classified as Uncertain Significance.

NM_004082.5(DCTN1):c.2969G>T (p.Arg990Leu)

Gene: DCTN1 (dynactin subunit 1; minus strand). Cytogenetic location: 2p13.1.
Variant type: single nucleotide variant.
Coding change: c.2969G>T on transcript NM_004082.5 (MANE Select); coding-DNA position 2969, G replaced by T.
Protein change: p.Arg990Leu; replaces arginine 990 with leucine.
Molecular consequence: missense variant. On other transcripts: non-coding transcript variant (1).
Genome position (GRCh38, 1-based): chr2:74,365,575, C>A on the plus strand (G>T on the coding strand, the complement: DCTN1 is on the minus strand). VCF-style: chr2-74365575-C-A. GRCh37 (hg19) VCF-style: chr2-74592702-C-A.
Other names: c.2909G>T, p.Arg970Leu (NM_001135040.3); c.2567G>T, p.Arg856Leu (NM_001135041.3, NM_023019.4); c.2858G>T, p.Arg953Leu (NM_001190836.2); c.2948G>T, p.Arg983Leu (NM_001190837.2); c.2918G>T, p.Arg973Leu (NM_001378991.1); c.2900G>T, p.Arg967Leu (NM_001378992.1); short protein forms R856L, R953L, R967L, R970L, R973L, R983L, R990L.
Identifiers: ClinVar variation 2627458 (VCV002627458.1), dbSNP rs369129714, ClinGen allele CA347341531.